The following is an entry in ClinVar:

ClinVar aggregate classification (germline): Benign/Likely benign. Review status: criteria provided, multiple submitters, no conflicts (2 of 4 stars). 10 submissions from 10 submitters: Benign (7); Likely benign (1). 2 of the submissions do not count toward it. Last evaluated 2026-02-04.

Conditions:
Colorectal cancer, susceptibility to, 12 (CRCS12). Also called: COLORECTAL CANCER, SUSCEPTIBILITY TO, ON CHROMOSOME 12q24. Identifiers: Orphanet 220460, MedGen C3554460, MONDO:0014038, OMIM 615083.
Intrauterine growth retardation, metaphyseal dysplasia, adrenal hypoplasia congenita, genital anomalies, and immunodeficiency. Also called: IMAGEI SYNDROME. Identifiers: MedGen C5193036, MONDO:0032684, OMIM 618336.
Facial dysmorphism-immunodeficiency-livedo-short stature syndrome. Also called: Facial dysmorphism, immunodeficiency, livedo, and short stature; FILS syndrome. Identifiers: Orphanet 352712, MedGen C3554576, MONDO:0014058, OMIM 615139.

Allele frequency attached by ClinVar (database versions not stated): gnomAD exomes 0.00138 and 0.00352; ExAC 0.00480; gnomAD 0.01301 and 0.01405; 1000 Genomes Project 0.01338; 1000 Genomes Project 30x 0.01421; TOPMed 0.01491; ESP Exome Variant Server 0.01599.
gnomAD v4.1: 4,130 of 1,599,680 alleles (0.26%); highest among the groups gnomAD compares: African/African-American, 4.6%; 105 homozygotes.

Submissions (14):

Labcorp Genetics (formerly Invitae), Labcorp
Classification: Benign. Last evaluated: 2026-02-04. Review status: criteria provided, single submitter. Criteria: Invitae Variant Classification Sherloc (09022015). Collection method: clinical testing. Allele origin: germline.

ARUP Laboratories, Molecular Genetics and Genomics, ARUP Laboratories
Classification: Benign. Last evaluated: 2025-05-06. Review status: criteria provided, single submitter. Criteria: ARUP Molecular Germline Variant Investigation Process 2024. Collection method: clinical testing. Allele origin: germline.

Center for Genomic Medicine, Rigshospitalet, Copenhagen University Hospital
Classification: Benign. Last evaluated: 2025-03-04. Review status: criteria provided, single submitter. Criteria: ACMG Guidelines, 2015. Collection method: clinical testing. Allele origin: germline.

KCCC/NGS Laboratory, Kuwait Cancer Control Center
Classification: Benign for Colorectal cancer, susceptibility to, 12. Last evaluated: 2023-07-07. Review status: criteria provided, single submitter. Criteria: ACMG Guidelines, 2015. Collection method: clinical testing. Allele origin: germline. Affected: yes.

Fulgent Genetics
Classification: Likely benign for Colorectal cancer, susceptibility to, 12; Facial dysmorphism-immunodeficiency-livedo-short stature syndrome; Intrauterine growth retardation, metaphyseal dysplasia, adrenal hypoplasia congenita, genital anomalies, and immunodeficiency. Last evaluated: 2022-05-13. Review status: criteria provided, single submitter. Criteria: ACMG Guidelines, 2015. Collection method: clinical testing. Allele origin: unknown.

GeneDx
Classification: Benign. Last evaluated: 2016-11-22. Review status: criteria provided, single submitter. Criteria: GeneDx Variant Classification (06012015). Collection method: clinical testing. Allele origin: germline. Affected: yes.
Comment: This variant is considered likely benign or benign based on one or more of the following criteria: it is a conservative change, it occurs at a poorly conserved position in the protein, it is predicted to be benign by multiple in silico algorithms, and/or has population frequency not consistent with disease.

PreventionGenetics, part of Exact Sciences
Classification: Benign. Last evaluated: 2016-11-09. Review status: criteria provided, single submitter. Criteria: ACMG Guidelines, 2015. Collection method: clinical testing. Allele origin: germline.

Breakthrough Genomics
Classification: Benign. Review status: criteria provided, single submitter. Criteria: ACMG Guidelines, 2015. Collection method: not provided. Allele origin: germline. Inheritance: Autosomal recessive inheritance. Affected: yes.

Clinical Genetics, Academic Medical Center
Classification: Benign. Review status: no assertion criteria provided. Collection method: clinical testing. Allele origin: germline. Affected: yes. Study: VKGL Data-share Consensus. Not counted in ClinVar's aggregate classification.

Dr. Peter K. Rogan Lab, Western University
No classification provided (evidence only). Condition: Lung cancer. Review status: no classification provided. Collection method: in vitro. Allele origin: not applicable. Functional consequence: retained intron. Not counted in ClinVar's aggregate classification.

Dr. Peter K. Rogan Lab, Western University
No classification provided (evidence only). Condition: Acute myeloid leukemia. Review status: no classification provided. Collection method: in vitro. Allele origin: not applicable. Functional consequence: retained intron. Not counted in ClinVar's aggregate classification.

Dr. Peter K. Rogan Lab, Western University
No classification provided (evidence only). Condition: Uterine corpus endometrial carcinoma. Review status: no classification provided. Collection method: in vitro. Allele origin: not applicable. Functional consequence: retained intron. Not counted in ClinVar's aggregate classification.

Dr. Peter K. Rogan Lab, Western University
No classification provided (evidence only). Condition: Ovarian serous cystadenocarcinoma. Review status: no classification provided. Collection method: in vitro. Allele origin: not applicable. Functional consequence: retained intron. Not counted in ClinVar's aggregate classification.

Genome Diagnostics Laboratory, Amsterdam University Medical Center
Classification: Benign. Review status: no assertion criteria provided. Collection method: clinical testing. Allele origin: germline. Affected: yes. Study: VKGL Data-share Consensus. Not counted in ClinVar's aggregate classification.

NM_006231.4(POLE):c.6330+18C>T

Gene: POLE (DNA polymerase epsilon, catalytic subunit; minus strand). Cytogenetic location: 12q24.33.
Variant type: single nucleotide variant.
Coding change: c.6330+18C>T on transcript NM_006231.4 (MANE Select); 18 bases into the intron after coding-DNA position 6330, C replaced by T.
Molecular consequence: intron variant.
Genome position (GRCh38, 1-based): chr12:132,632,297, G>A on the plus strand (C>T on the coding strand, the complement: POLE is on the minus strand). VCF-style: chr12-132632297-G-A. GRCh37 (hg19) VCF-style: chr12-133208883-G-A.
Identifiers: ClinVar variation 380642 (VCV000380642.66), dbSNP rs5745024, ClinGen allele CA6892218.